The following is an entry in ClinVar:

NM_015102.5(NPHP4):c.2647G>A (p.Val883Met)

Gene: NPHP4 (nephrocystin 4; minus strand). Cytogenetic location: 1p36.31.
Variant type: single nucleotide variant.
Coding change: c.2647G>A on transcript NM_015102.5 (MANE Select); coding-DNA position 2647, G replaced by A.
Protein change: p.Val883Met; replaces valine 883 with methionine.
Molecular consequence: missense variant. On other transcripts: non-coding transcript variant (1).
Genome position (GRCh38, 1-based): chr1:5,877,263, C>T on the plus strand (G>A on the coding strand, the complement: NPHP4 is on the minus strand). VCF-style: chr1-5877263-C-T. GRCh37 (hg19) VCF-style: chr1-5937323-C-T.
Other names: c.1108G>A, p.Val370Met (NM_001291593.2); c.1111G>A, p.Val371Met (NM_001291594.2); short protein forms V883M, V371M, V370M.
Identifiers: ClinVar variation 291099 (VCV000291099.14), dbSNP rs769851221, ClinGen allele CA553979.
Genomic context (GRCh38, chr1:5,877,263, plus strand): 5'-CCTGGGGCCCCTTGCCCTGCCGGGCATGGGTCAGTAGCATGGCAGCCAGCTCACTGTCCA[C>T]GTCCGCCAGCTTCTGTGCTTGCACCACGTGTTTTCCTGCGAAAGGGTCAGAGCGCGAGTC-3'
Protein context (NP_055917.1, residues 873-893): HVVQAQKLAD[Val883Met]DSELAAMLLT

ClinVar aggregate classification (germline): Uncertain significance. Review status: criteria provided, multiple submitters, no conflicts (2 of 4 stars). 5 submissions from 5 submitters: Uncertain significance (5). Last evaluated 2026-03-23.

Conditions:
NPHP4-related disorder. Also called: NPHP4-related disorders; NPHP4-related condition. Identifiers: MedGen CN239384.
Nephronophthisis. Also called: Juvenile Nephronophthisis. Identifiers: Orphanet 655, MedGen C0687120, MONDO:0019005, HP:0000090.
Senior-Loken syndrome 4 (SLSN4). Identifiers: Orphanet 3156, MedGen C1846979, MONDO:0011756, OMIM 606996.
Nephronophthisis 4 (NPHP4). Also called: NEPHRONOPHTHISIS 4, JUVENILE. Identifiers: Orphanet 655, MedGen C1847013, MONDO:0011752, OMIM 606966.

Allele frequency attached by ClinVar (database versions not stated): ExAC 0.00001; gnomAD exomes 0.00002; gnomAD 0.00005; TOPMed 0.00006.
gnomAD v4.1: 79 of 1,604,854 alleles (0.0049%); highest among the groups gnomAD compares: African/African-American, 0.016%; no homozygotes.

Submissions (5):

PreventionGenetics, part of Exact Sciences
Classification: Uncertain significance for NPHP4-related condition. Last evaluated: 2026-03-23. Review status: criteria provided, single submitter. Criteria: ACMG Guidelines, 2015. Collection method: clinical testing. Allele origin: germline.
Comment: The NPHP4 c.2647G>A variant is predicted to result in the amino acid substitution p.Val883Met. This variant was reported in heterozygous state in an individual with cardiovascular malformations (French et al 2012. PubMed ID: 22550138). This variant is reported in 0.020% of alleles in individuals of African descent in gnomAD. At this time, the clinical significance of this variant is uncertain due to the absence of conclusive functional and genetic evidence.

Labcorp Genetics (formerly Invitae), Labcorp
Classification: Uncertain significance for Nephronophthisis. Last evaluated: 2024-10-23. Review status: criteria provided, single submitter. Criteria: Invitae Variant Classification Sherloc (09022015). Collection method: clinical testing. Allele origin: germline.
Comment: This sequence change replaces valine, which is neutral and non-polar, with methionine, which is neutral and non-polar, at codon 883 of the NPHP4 protein (p.Val883Met). This variant is present in population databases (rs769851221, gnomAD 0.01%). This missense change has been observed in individual(s) with pleiotropic heart malformations (PMID: 22550138). ClinVar contains an entry for this variant (Variation ID: 291099). Invitae Evidence Modeling of protein sequence and biophysical properties (such as structural, functional, and spatial information, amino acid conservation, physicochemical variation, residue mobility, and thermodynamic stability) indicates that this missense variant is not expected to disrupt NPHP4 protein function with a negative predictive value of 80%. In summary, the available evidence is currently insufficient to determine the role of this variant in disease. Therefore, it has been classified as a Variant of Uncertain Significance.

Fulgent Genetics
Classification: Uncertain significance for Nephronophthisis 4; Senior-Loken syndrome 4. Last evaluated: 2024-03-13. Review status: criteria provided, single submitter. Criteria: ACMG Guidelines, 2015. Collection method: clinical testing. Allele origin: germline.

Blueprint Genetics
Classification: Uncertain significance. Last evaluated: 2021-12-31. Review status: criteria provided, single submitter. Criteria: ACMG Guidelines, 2015. Collection method: clinical testing. Allele origin: germline.

Eurofins Ntd Llc (ga)
Classification: Uncertain significance. Last evaluated: 2018-04-27. Review status: criteria provided, single submitter. Criteria: EGL ClinVar v180209 classification definitions. Collection method: clinical testing. Allele origin: germline. Observed: 2 variant alleles, 2 heterozygotes.

Literature cited by the submitters: PubMed 22550138 (cited by Labcorp Genetics (formerly Invitae), Labcorp).